The following is an entry in ClinVar:

NM_000216.4(ANOS1):c.76G>C (p.Gly26Arg)

Gene: ANOS1 (anosmin 1; minus strand). Cytogenetic location: Xp22.31.
Variant type: single nucleotide variant.
Coding change: c.76G>C on transcript NM_000216.4 (MANE Select); coding-DNA position 76, G replaced by C.
Protein change: p.Gly26Arg; replaces glycine 26 with arginine.
Molecular consequence: missense variant.
Genome position (GRCh38, 1-based): chrX:8,731,961, C>G on the plus strand (G>C on the coding strand, the complement: ANOS1 is on the minus strand). VCF-style: chrX-8731961-C-G. GRCh37 (hg19) VCF-style: chrX-8700002-C-G.
Other names: c.76G>C (NM_000216.3); short protein forms G26R.
Identifiers: ClinVar variation 703012 (VCV000703012.11), dbSNP rs778437210, ClinGen allele CA10343869.

ClinVar aggregate classification (germline): Conflicting classifications of pathogenicity. Review status: criteria provided, conflicting classifications (1 of 4 stars). 3 submissions from 3 submitters: Uncertain significance (1); Benign (1). 1 of the submissions does not count toward it. Last evaluated 2026-01-27.

Conditions:
ANOS1-related disorder. Also called: ANOS1-related condition.
Inborn genetic diseases. Identifiers: MedGen C0950123, MeSH D030342.
Hypogonadotropic hypogonadism 1 with or without anosmia (HH1). Also called: HYPOGONADOTROPIC HYPOGONADISM AND ANOSMIA; HYPOGONADOTROPIC HYPOGONADISM 1 WITH ANOSMIA; KAL1-Related GnRH Deficiency (Kallmann Syndrome 1; Kallmann Syndrome, X-Linked); Hypogonadotropic hypogonadism 1 with or without anosmia (Kallmann syndrome 1); Kallmann syndrome, type 1, X-linked; DYSPLASIA OLFACTOGENITALIS OF DE MORSIER. Identifiers: Orphanet 478, MedGen C1563719, MONDO:0010635, OMIM 308700. Disease mechanism: loss of function.

Allele frequency attached by ClinVar (database versions not stated): gnomAD exomes 0.00016 and 0.00022; 1000 Genomes Project 30x 0.00250; gnomAD 0.00212 and 0.00218; ExAC 0.00046; TOPMed 0.00263; 1000 Genomes Project 0.00291.
gnomAD v4.1: 405 of 1,110,253 alleles (0.036%); highest among the groups gnomAD compares: African/African-American, 0.66%; 1 homozygote.

Submissions (3):

Labcorp Genetics (formerly Invitae), Labcorp
Classification: Benign for Hypogonadotropic hypogonadism 1 with or without anosmia. Last evaluated: 2026-01-27. Review status: criteria provided, single submitter. Criteria: Invitae Variant Classification Sherloc (09022015). Collection method: clinical testing. Allele origin: germline.

Ambry Genetics
Classification: Uncertain significance for Inborn genetic diseases. Last evaluated: 2023-12-09. Review status: criteria provided, single submitter. Criteria: Ambry Variant Classification Scheme 2023. Collection method: clinical testing. Allele origin: germline.

PreventionGenetics, part of Exact Sciences
Classification: Likely benign for ANOS1-related condition. Last evaluated: 2020-04-29. Review status: no assertion criteria provided. Collection method: clinical testing. Allele origin: germline. Not counted in ClinVar's aggregate classification.
Comment: This variant is classified as likely benign based on ACMG/AMP sequence variant interpretation guidelines (Richards et al. 2015 PMID: 25741868, with internal and published modifications).